The following is an entry in ClinVar:

NM_001698.3(AUH):c.10G>A (p.Ala4Thr)

Genes: AUH (AU RNA binding methylglutaconyl-CoA hydratase; minus strand), LOC130002059 (ATAC-STARR-seq lymphoblastoid silent region 20025; plus strand). Cytogenetic location: 9q22.31.
Variant type: single nucleotide variant.
Coding change: c.10G>A on transcript NM_001698.3 (MANE Select); coding-DNA position 10, G replaced by A.
Protein change: p.Ala4Thr; replaces alanine 4 with threonine.
Molecular consequence: missense variant. On other transcripts: 5 prime UTR variant (3).
Genome position (GRCh38, 1-based): chr9:91,361,880, C>T on the plus strand (G>A on the coding strand, the complement: AUH is on the minus strand). VCF-style: chr9-91361880-C-T. GRCh37 (hg19) VCF-style: chr9-94124162-C-T.
Other names: c.10G>A, p.Ala4Thr (NM_001306190.2); c.-388G>A (NM_001351431.2, NM_001351433.2); c.-480G>A (NM_001351432.2); short protein forms A4T.
Identifiers: ClinVar variation 1949148 (VCV001949148.5), dbSNP rs1832900678, ClinGen allele CA373836807.

ClinVar aggregate classification (germline): Uncertain significance (1 of 4 stars; one submission).

Conditions:
3-methylglutaconic aciduria type 1 (MGCA1). Identifiers: Orphanet 67046, MedGen C0342727, MONDO:0009610, OMIM 250950.

Allele frequency attached by ClinVar (database versions not stated): TOPMed below 0.00001; gnomAD 0.00001.
gnomAD v4.1: 13 of 1,465,232 alleles (0.00089%); highest among the groups gnomAD compares: African/African-American, 0.0029%; no homozygotes.

Submission:

Labcorp Genetics (formerly Invitae), Labcorp
Classification: Uncertain significance for 3-methylglutaconic aciduria type 1. Last evaluated: 2022-05-18. Review status: criteria provided, single submitter. Criteria: Invitae Variant Classification Sherloc (09022015). Collection method: clinical testing. Allele origin: germline.
Comment: In summary, the available evidence is currently insufficient to determine the role of this variant in disease. Therefore, it has been classified as a Variant of Uncertain Significance. Algorithms developed to predict the effect of missense changes on protein structure and function are either unavailable or do not agree on the potential impact of this missense change (SIFT: "Tolerated"; PolyPhen-2: "Not Available"; Align-GVGD: "Class C0"). This variant has not been reported in the literature in individuals affected with AUH-related conditions. This variant is not present in population databases (gnomAD no frequency). This sequence change replaces alanine, which is neutral and non-polar, with threonine, which is neutral and polar, at codon 4 of the AUH protein (p.Ala4Thr).